The following is an entry in ClinVar:

ClinVar aggregate classification (germline): Uncertain significance (1 of 4 stars; one submission).

Conditions:
Primary ciliary dyskinesia. Also called: Ciliary dyskinesia. Identifiers: Orphanet 244, MedGen C0008780, MONDO:0016575, HP:0012265.

Allele frequency attached by ClinVar (database versions not stated): gnomAD exomes below 0.00001.
gnomAD v4.1: 2 of 1,613,752 alleles (0.00012%); highest among the groups gnomAD compares: Admixed American, 0.0033%; no homozygotes.

Submission:

Ambry Genetics
Classification: Uncertain significance for Primary ciliary dyskinesia. Last evaluated: 2019-01-25. Review status: criteria provided, single submitter. Criteria: Ambry Variant Classification Scheme 2023. Collection method: clinical testing. Allele origin: germline.
Comment: The p.A3709V variant (also known as c.11126C>T), located in coding exon 68 of the DNAH11 gene, results from a C to T substitution at nucleotide position 11126. The alanine at codon 3709 is replaced by valine, an amino acid with similar properties. This amino acid position is highly conserved in available vertebrate species. In addition, the in silico prediction for this alteration is inconclusive. Since supporting evidence is limited at this time, the clinical significance of this alteration remains unclear.

NM_001277115.2(DNAH11):c.11126C>T (p.Ala3709Val)

Gene: DNAH11 (dynein axonemal heavy chain 11; plus strand). Cytogenetic location: 7p15.3.
Variant type: single nucleotide variant.
Coding change: c.11126C>T on transcript NM_001277115.2 (MANE Select); coding-DNA position 11126, C replaced by T.
Protein change: p.Ala3709Val; replaces alanine 3709 with valine.
Molecular consequence: missense variant.
Genome position (GRCh38, 1-based): chr7:21,854,379, C>T. VCF-style: chr7-21854379-C-T. GRCh37 (hg19) VCF-style: chr7-21893997-C-T.
Other names: c.11147C>T, p.Ala3716Val (NM_003777.3); short protein forms A3716V, A3709V.
Identifiers: ClinVar variation 1795399 (VCV001795399.2), dbSNP rs1360195794, ClinGen allele CA366959980.
Genomic context (GRCh38, chr7:21,854,379, plus strand): 5'-TTGAAGCCAAAGAAAATGAAAGAAAAATCAACGAGGCCCGAGAATGTTACAGACCAGTGG[C>T]AGCAAGAGCATCTCTTCTTTATTTTGTTATTAATGACCTCCAAAAAATCAACCCCCTCTA-3'
Protein context (NP_001264044.1, residues 3699-3719): NEARECYRPV[Ala3709Val]ARASLLYFVI